The following is an entry in ClinVar:

NM_000466.3(PEX1):c.233G>C (p.Arg78Thr)

Gene: PEX1 (peroxisomal biogenesis factor 1; minus strand). Cytogenetic location: 7q21.2.
Variant type: single nucleotide variant.
Coding change: c.233G>C on transcript NM_000466.3 (MANE Select); coding-DNA position 233, G replaced by C.
Protein change: p.Arg78Thr; replaces arginine 78 with threonine.
Molecular consequence: missense variant. On other transcripts: 5 prime UTR variant (1).
Genome position (GRCh38, 1-based): chr7:92,522,142, C>G on the plus strand (G>C on the coding strand, the complement: PEX1 is on the minus strand). VCF-style: chr7-92522142-C-G. GRCh37 (hg19) VCF-style: chr7-92151456-C-G.
Other names: c.233G>C, p.Arg78Thr (NM_001282677.2); c.-427G>C (NM_001282678.2); short protein forms R78T.
Identifiers: ClinVar variation 1369133 (VCV001369133.5), dbSNP rs2116268284, ClinGen allele CA368204822.
Genomic context (GRCh38, chr7:92,522,142, plus strand): 5'-TTGCCATCACATGTGCTTACCTGTCCCCCATTTGAGAGTCCAAGTTTTTGACCAACTTGT[C>G]TGTTAATTTCAGCCACATTTTCACCTTGATCACTAAAATGCCTGCCTTCCACCCAGCTCA-3'
Protein context (NP_000457.1, residues 68-88): DQGENVAEIN[Arg78Thr]QVGQKLGLSN

ClinVar aggregate classification (germline): Uncertain significance (1 of 4 stars; one submission).

Conditions:
Zellweger spectrum disorders (ZS). Also called: Zellweger Spectrum Disorder (ZSD); Zellweger syndrome; Zellweger Spectrum Disorder; Zellweger Spectrum. Identifiers: Orphanet 912, MedGen C0043459, MONDO:0019609.

Allele frequency attached by ClinVar (database versions not stated): gnomAD exomes below 0.00001.
gnomAD v4.1: 2 of 1,614,168 alleles (0.00012%); highest among the groups gnomAD compares: African/African-American, 0.0013%; no homozygotes.

Submission:

Labcorp Genetics (formerly Invitae), Labcorp
Classification: Uncertain significance for Zellweger spectrum disorders. Last evaluated: 2022-07-19. Review status: criteria provided, single submitter. Criteria: Invitae Variant Classification Sherloc (09022015). Collection method: clinical testing. Allele origin: germline.
Comment: This sequence change replaces arginine, which is basic and polar, with threonine, which is neutral and polar, at codon 78 of the PEX1 protein (p.Arg78Thr). This variant is not present in population databases (gnomAD no frequency). This variant has not been reported in the literature in individuals affected with PEX1-related conditions. ClinVar contains an entry for this variant (Variation ID: 1369133). Algorithms developed to predict the effect of missense changes on protein structure and function are either unavailable or do not agree on the potential impact of this missense change (SIFT: "Tolerated"; PolyPhen-2: "Probably Damaging"; Align-GVGD: "Class C0"). In summary, the available evidence is currently insufficient to determine the role of this variant in disease. Therefore, it has been classified as a Variant of Uncertain Significance.